The following is an entry in ClinVar:

NM_001005273.3(CHD3):c.67C>T (p.Pro23Ser)

Gene: CHD3 (chromodomain helicase DNA binding protein 3; plus strand). Cytogenetic location: 17p13.1.
Variant type: single nucleotide variant.
Coding change: c.67C>T on transcript NM_001005273.3 (MANE Select); coding-DNA position 67, C replaced by T.
Protein change: p.Pro23Ser; replaces proline 23 with serine.
Molecular consequence: missense variant. On other transcripts: intron variant (1).
Genome position (GRCh38, 1-based): chr17:7,889,067, C>T. VCF-style: chr17-7889067-C-T. GRCh37 (hg19) VCF-style: chr17-7792385-C-T.
Other names: c.67C>T, p.Pro23Ser (NM_005852.4); c.278-597C>T (NM_001005271.3); short protein forms P23S.
Identifiers: ClinVar variation 3050085 (VCV003050085.2), dbSNP rs61740589, ClinGen allele CA8362262.

ClinVar aggregate classification (germline): Likely benign (0 of 4 stars; one submission).

Conditions:
CHD3-related disorder. Also called: CHD3-related condition.

Allele frequency attached by ClinVar (database versions not stated): gnomAD exomes 0.00013; ExAC 0.00030; ESP Exome Variant Server 0.00069; gnomAD 0.00078; TOPMed 0.00081; 1000 Genomes Project 0.00100; 1000 Genomes Project 30x 0.00125.
gnomAD v4.1: 351 of 1,614,234 alleles (0.022%); highest among the groups gnomAD compares: African/African-American, 0.28%; 2 homozygotes.

Submission:

PreventionGenetics, part of Exact Sciences
Classification: Likely benign for CHD3-related condition. Last evaluated: 2024-01-26. Review status: no assertion criteria provided. Collection method: clinical testing. Allele origin: germline.
Comment: This variant is classified as likely benign based on ACMG/AMP sequence variant interpretation guidelines (Richards et al. 2015 PMID: 25741868, with internal and published modifications).